The following is an entry in ClinVar:

ClinVar aggregate classification (germline): Uncertain significance (1 of 4 stars; one submission).

Submission:

Labcorp Genetics (formerly Invitae), Labcorp
Classification: Uncertain significance. Last evaluated: 2022-11-04. Review status: criteria provided, single submitter. Criteria: Invitae Variant Classification Sherloc (09022015). Collection method: clinical testing. Allele origin: germline.
Comment: In summary, the available evidence is currently insufficient to determine the role of this variant in disease. Therefore, it has been classified as a Variant of Uncertain Significance. Experimental studies and prediction algorithms are not available or were not evaluated, and the effect of this variant on mRNA splicing is currently unknown. This variant is also known as c.739-2del. This variant has not been reported in the literature in individuals affected with POGLUT1-related conditions. This variant is present in population databases (rs760714515, gnomAD 0.006%). This sequence change falls in intron 7 of the POGLUT1 gene. It does not directly change the encoded amino acid sequence of the POGLUT1 protein.

NM_152305.3(POGLUT1):c.739-2del

Gene: POGLUT1 (protein O-glucosyltransferase 1; plus strand). Cytogenetic location: 3q13.33.
Variant type: Deletion.
Coding change: c.739-2del on transcript NM_152305.3 (MANE Select); the canonical splice acceptor site of the intron before coding-DNA position 739, one base deleted (A; older notation c.739-2delA).
Molecular consequence: splice acceptor variant.
Genome position (GRCh38, 1-based): chr3:119,488,927, A deleted; the last of 3 consecutive A bases (chr3:119,488,925-119,488,927); deleting any one gives the same sequence. VCF-style (leftmost placement, unchanged base first): chr3-119488924-TA-T. GRCh37 (hg19) VCF-style: chr3-119207771-TA-T.
Identifiers: ClinVar variation 2157273 (VCV002157273.4), dbSNP rs760714515, ClinGen allele CA2554965.
Genomic context (GRCh38, chr3:119,488,924, plus strand): 5'-TGCTGCACAGTGATCACAATAAATGCTGTTGCTGTTAATACTAATAACTTCCTTTCCACT[TA>T]AAGGATACCTTAGGAAAGCCAGCTGCTAAGGATGTCCATCTTGTGGATCACTGCAAATAC-3'